The following is an entry in ClinVar:

ClinVar aggregate classification (germline): Uncertain significance (1 of 4 stars; one submission).

gnomAD v4.1: 3 of 1,596,102 alleles (0.00019%); highest among the groups gnomAD compares: Non-Finnish European, 0.00026%; no homozygotes.

Submission:

Labcorp Genetics (formerly Invitae), Labcorp
Classification: Uncertain significance. Last evaluated: 2021-09-24. Review status: criteria provided, single submitter. Criteria: Invitae Variant Classification Sherloc (09022015). Collection method: clinical testing. Allele origin: germline.
Comment: This sequence change replaces leucine with proline at codon 173 of the TANGO2 protein (p.Leu173Pro). The leucine residue is moderately conserved and there is a moderate physicochemical difference between leucine and proline. This variant is not present in population databases (ExAC no frequency). This variant has not been reported in the literature in individuals affected with TANGO2-related conditions. Algorithms developed to predict the effect of missense changes on protein structure and function are either unavailable or do not agree on the potential impact of this missense change (SIFT: "Not Available"; PolyPhen-2: "Probably Damaging"; Align-GVGD: "Not Available"). In summary, the available evidence is currently insufficient to determine the role of this variant in disease. Therefore, it has been classified as a Variant of Uncertain Significance.

NM_152906.7(TANGO2):c.518T>C (p.Leu173Pro)

Gene: TANGO2 (transport and golgi organization 2 homolog; plus strand). Cytogenetic location: 22q11.21.
Variant type: single nucleotide variant.
Coding change: c.518T>C on transcript NM_152906.7 (MANE Select); coding-DNA position 518, T replaced by C.
Protein change: p.Leu173Pro; replaces leucine 173 with proline.
Molecular consequence: missense variant. On other transcripts: non-coding transcript variant (3), intron variant (4).
Genome position (GRCh38, 1-based): chr22:20,061,596, T>C. VCF-style: chr22-20061596-T-C. GRCh37 (hg19) VCF-style: chr22-20049119-T-C.
Other names: c.518T>C, p.Leu173Pro (NM_001283106.3, NM_001283116.3, NM_001283148.3 and 2 more transcripts); c.641T>C, p.Leu214Pro (NM_001283129.3, NM_001322141.2, NM_001322143.2 and 1 more transcripts); c.332T>C, p.Leu111Pro (NM_001283179.3, NM_001283186.3, NM_001322163.2 and 3 more transcripts); c.224T>C, p.Leu75Pro (NM_001283235.3, NM_001322150.2, NM_001322153.2 and 6 more transcripts); c.455T>C, p.Leu152Pro (NM_001322145.2, NM_001322147.2); c.416T>C, p.Leu139Pro (NM_001322146.2, NM_001322148.2, NM_001322160.2); c.381-1742T>C (NM_001283199.3); c.575-2946T>C (NM_001283215.3); and 2 more; short protein forms L75P, L173P, L139P, L152P, L214P, L111P.
Identifiers: ClinVar variation 1364194 (VCV001364194.5), dbSNP rs1462626617, ClinGen allele CA410699249.